The following is an entry in ClinVar:

ClinVar aggregate classification (germline): Uncertain significance. Review status: criteria provided, single submitter (1 of 4 stars). 2 submissions from 2 submitters: Uncertain significance (1). 1 of the submissions does not count toward it. Last evaluated 2022-05-25.

Conditions:
BBS4-related disorder. Also called: BBS4-related condition.
Bardet-Biedl syndrome (BBS). Identifiers: Orphanet 110, MedGen C0752166, MONDO:0015229.

gnomAD v4.1: 2 of 1,614,132 alleles (0.00012%); highest among the groups gnomAD compares: Non-Finnish European, 0.00017%; no homozygotes.

Submissions (2):

Labcorp Genetics (formerly Invitae), Labcorp
Classification: Uncertain significance for Bardet-Biedl syndrome. Last evaluated: 2022-05-25. Review status: criteria provided, single submitter. Criteria: Invitae Variant Classification Sherloc (09022015). Collection method: clinical testing. Allele origin: germline.
Comment: This sequence change replaces alanine, which is neutral and non-polar, with glutamic acid, which is acidic and polar, at codon 288 of the BBS4 protein (p.Ala288Glu). This variant is not present in population databases (gnomAD no frequency). This variant has not been reported in the literature in individuals affected with BBS4-related conditions. Algorithms developed to predict the effect of missense changes on protein structure and function are either unavailable or do not agree on the potential impact of this missense change (SIFT: "Deleterious"; PolyPhen-2: "Probably Damaging"; Align-GVGD: "Class C0"). In summary, the available evidence is currently insufficient to determine the role of this variant in disease. Therefore, it has been classified as a Variant of Uncertain Significance.

PreventionGenetics, part of Exact Sciences
Classification: Uncertain significance for BBS4-related condition. Last evaluated: 2023-11-06. Review status: no assertion criteria provided. Collection method: clinical testing. Allele origin: germline. Not counted in ClinVar's aggregate classification.
Comment: The BBS4 c.863C>A variant is predicted to result in the amino acid substitution p.Ala288Glu. To our knowledge, this variant has not been reported in the literature or in a large population database, indicating this variant is rare. At this time, the clinical significance of this variant is uncertain due to the absence of conclusive functional and genetic evidence.

NM_033028.5(BBS4):c.863C>A (p.Ala288Glu)

Gene: BBS4 (Bardet-Biedl syndrome 4; plus strand). Cytogenetic location: 15q24.1.
Variant type: single nucleotide variant.
Coding change: c.863C>A on transcript NM_033028.5 (MANE Select); coding-DNA position 863, C replaced by A.
Protein change: p.Ala288Glu; replaces alanine 288 with glutamic acid.
Molecular consequence: missense variant. On other transcripts: non-coding transcript variant (2).
Genome position (GRCh38, 1-based): chr15:72,731,456, C>A. VCF-style: chr15-72731456-C-A. GRCh37 (hg19) VCF-style: chr15-73023797-C-A.
Other names: c.863C>A (NM_033028.4); c.347C>A, p.Ala116Glu (NM_001252678.2); c.794C>A, p.Ala265Glu (NM_001320665.2); short protein forms A288E, A116E, A265E.
Identifiers: ClinVar variation 1999015 (VCV001999015.2), dbSNP rs772051835, ClinGen allele CA393078707.